The following is an entry in ClinVar:

ClinVar aggregate classification (germline): Uncertain significance (1 of 4 stars; one submission).

Conditions:
Long QT syndrome (LQTS). Identifiers: MedGen C0023976, MeSH D008133, MONDO:0002442. Disease mechanism: loss of function. Inheritance: Various modes of inheritance.

Submission:

Labcorp Genetics (formerly Invitae), Labcorp
Classification: Uncertain significance for Long QT syndrome. Last evaluated: 2023-10-27. Review status: criteria provided, single submitter. Criteria: Invitae Variant Classification Sherloc (09022015). Collection method: clinical testing. Allele origin: unknown.
Comment: This variant results in a copy number gain of the genomic region encompassing exon(s) 1-11 of the CACNA1C gene. This region includes the initiator codon of the gene. This copy number gain extends beyond the assayed region for this gene and therefore may encompass additional genes. As the precise location of this event is unknown, it may be in tandem or it may be located elsewhere in the genome. This variant has not been reported in the literature in individuals affected with CACNA1C-related conditions. Experimental studies and prediction algorithms are not available or were not evaluated, and the functional significance of this variant is currently unknown. In summary, the available evidence is currently insufficient to determine the role of this variant in disease. Therefore, it has been classified as a Variant of Uncertain Significance.

NC_000012.11:g.(?_2162729)_(2666163_?)dup

Gene: CACNA1C (calcium voltage-gated channel subunit alpha1 C; plus strand). Cytogenetic location: 12p13.33.
Variant type: Duplication.
Identifiers: ClinVar variation 3244231 (VCV003244231.1).